The following is an entry in ClinVar:

ClinVar aggregate classification (germline): Uncertain significance (1 of 4 stars; one submission).

Conditions:
Familial adenomatous polyposis 1 (FAP1). Also called: FAMILIAL ADENOMATOUS POLYPOSIS 1, ATTENUATED; POLYPOSIS, ADENOMATOUS INTESTINAL. Identifiers: MedGen C2713442, MONDO:0021056, OMIM 175100. Disease mechanism: loss of function.

Allele frequency attached by ClinVar (database versions not stated): TOPMed below 0.00001.
gnomAD v4.1: 1 of 1,337,274 alleles (0.000075%); highest among the groups gnomAD compares: Non-Finnish European, 0.000099%; no homozygotes.

Submission:

Labcorp Genetics (formerly Invitae), Labcorp
Classification: Uncertain significance for Familial adenomatous polyposis 1. Last evaluated: 2021-06-17. Review status: criteria provided, single submitter. Criteria: Invitae Variant Classification Sherloc (09022015). Collection method: clinical testing. Allele origin: germline.
Comment: In summary, the available evidence is currently insufficient to determine the role of this variant in disease. Therefore, it has been classified as a Variant of Uncertain Significance. Experimental studies and prediction algorithms are not available or were not evaluated, and the functional significance of this variant is currently unknown. This variant has not been reported in the literature in individuals with APC-related conditions. The frequency data for this variant in the population databases is considered unreliable, as metrics indicate insufficient coverage at this position in the ExAC database. This variant occurs in a non-coding region of the APC gene. It does not change the encoded amino acid sequence of the APC protein.

NM_001127511.3(APC):c.-85C>A

Gene: APC (APC regulator of Wnt signaling pathway; plus strand). Cytogenetic location: 5q22.2.
Variant type: single nucleotide variant.
Coding change: c.-85C>A on transcript NM_001127511.3; 85 bases upstream of the start codon, C replaced by A.
Molecular consequence: 5 prime UTR variant. On other transcripts: non-coding transcript variant (2).
Genome position (GRCh38, 1-based): chr5:112,707,633, C>A. VCF-style: chr5-112707633-C-A. GRCh37 (hg19) VCF-style: chr5-112043330-C-A.
Other names: c.-268C>A (NM_001354895.2, NM_001407447.1, NM_001407452.1 and 3 more transcripts); c.-85C>A (NM_001354897.2, NM_001354902.2, NM_001407446.1); c.-35C>A (NM_001407448.1, NM_001407450.1, NM_001407457.1 and 1 more transcripts); c.-59C>A (NM_001407453.1); c.-1303C>A (NM_001407470.1, NM_001407472.1).
Identifiers: ClinVar variation 1484598 (VCV001484598.7), dbSNP rs1750590870, ClinGen allele CA1573442567.